The following is an entry in ClinVar:

ClinVar aggregate classification (germline): Uncertain significance (1 of 4 stars; one submission).

Conditions:
Gorlin syndrome. Also called: Nevoid Basal Cell Carcinoma Syndrome; Basal cell nevus syndrome. Identifiers: Orphanet 377, MedGen C0004779, MONDO:0007187.
Medulloblastoma (MDB). Also called: Medulloblastoma, somatic; MEDULLOBLASTOMA PREDISPOSITION SYNDROME. Identifiers: Orphanet 616, MedGen C0025149, MeSH D008527, MONDO:0007959, OMIM 155255, HP:0002885.

Submission:

Labcorp Genetics (formerly Invitae), Labcorp
Classification: Uncertain significance for Gorlin syndrome; Medulloblastoma. Last evaluated: 2024-08-08. Review status: criteria provided, single submitter. Criteria: Invitae Variant Classification Sherloc (09022015). Collection method: clinical testing. Allele origin: germline.
Comment: This sequence change replaces leucine, which is neutral and non-polar, with histidine, which is basic and polar, at codon 383 of the SUFU protein (p.Leu383His). This variant is not present in population databases (gnomAD no frequency). This variant has not been reported in the literature in individuals affected with SUFU-related conditions. Advanced modeling of protein sequence and biophysical properties (such as structural, functional, and spatial information, amino acid conservation, physicochemical variation, residue mobility, and thermodynamic stability) performed at Invitae indicates that this missense variant is expected to disrupt SUFU protein function with a positive predictive value of 80%. In summary, the available evidence is currently insufficient to determine the role of this variant in disease. Therefore, it has been classified as a Variant of Uncertain Significance.

NM_016169.4(SUFU):c.1148T>A (p.Leu383His)

Gene: SUFU (SUFU negative regulator of hedgehog signaling; plus strand). Cytogenetic location: 10q24.32.
Variant type: single nucleotide variant.
Coding change: c.1148T>A on transcript NM_016169.4 (MANE Select); coding-DNA position 1148, T replaced by A.
Protein change: p.Leu383His; replaces leucine 383 with histidine.
Molecular consequence: missense variant.
Genome position (GRCh38, 1-based): chr10:102,615,393, T>A. VCF-style: chr10-102615393-T-A. GRCh37 (hg19) VCF-style: chr10-104375150-T-A.
Other names: c.1148T>A, p.Leu383His (NM_001178133.2); short protein forms L383H.
Identifiers: ClinVar variation 3757588 (VCV003757588.2).
Genomic context (GRCh38, chr10:102,615,393, plus strand): 5'-CGCGGCAGCTTGAGAGCGTACATCTGAAATTCAACCAGGAGTCCGGAGCCCTCATTCCTC[T>A]CTGCCTAAGGTGAGCGAGACAGCCCTGCCACACAGTTTACCCCACAGCACCCAGCTCAGC-3'
Protein context (NP_057253.2, residues 373-393): FNQESGALIP[Leu383His]CLRGRLLHGR